The following is an entry in ClinVar:

ClinVar aggregate classification (germline): Uncertain significance (1 of 4 stars; one submission).

Allele frequency attached by ClinVar (database versions not stated): TOPMed below 0.00001.

Submission:

Labcorp Genetics (formerly Invitae), Labcorp
Classification: Uncertain significance. Last evaluated: 2024-01-14. Review status: criteria provided, single submitter. Criteria: Invitae Variant Classification Sherloc (09022015). Collection method: clinical testing. Allele origin: germline.
Comment: This sequence change replaces tyrosine, which is neutral and polar, with phenylalanine, which is neutral and non-polar, at codon 124 of the GINS1 protein (p.Tyr124Phe). This variant is not present in population databases (gnomAD no frequency). This variant has not been reported in the literature in individuals affected with GINS1-related conditions. An algorithm developed to predict the effect of missense changes on protein structure and function (PolyPhen-2) suggests that this variant is likely to be tolerated. In summary, the available evidence is currently insufficient to determine the role of this variant in disease. Therefore, it has been classified as a Variant of Uncertain Significance.

NM_021067.5(GINS1):c.371A>T (p.Tyr124Phe)

Gene: GINS1 (GINS complex subunit 1; plus strand). Cytogenetic location: 20p11.21.
Variant type: single nucleotide variant.
Coding change: c.371A>T on transcript NM_021067.5 (MANE Select); coding-DNA position 371, A replaced by T.
Protein change: p.Tyr124Phe; replaces tyrosine 124 with phenylalanine.
Molecular consequence: missense variant. On other transcripts: non-coding transcript variant (1), intron variant (1).
Genome position (GRCh38, 1-based): chr20:25,425,251, A>T. VCF-style: chr20-25425251-A-T. GRCh37 (hg19) VCF-style: chr20-25405887-A-T.
Other names: c.116A>T, p.Tyr39Phe (NM_001410831.1); c.330+7056A>T (NM_001410830.1); short protein forms Y124F, Y39F.
Identifiers: ClinVar variation 2890452 (VCV002890452.3), dbSNP rs2090384200, ClinGen allele CA408448829.